The following is an entry in ClinVar:

NM_175062.4(RASGEF1C):c.702G>T (p.Leu234=)

Gene: RASGEF1C (RasGEF domain family member 1C; minus strand). Cytogenetic location: 5q35.3.
Variant type: single nucleotide variant.
Coding change: c.702G>T on transcript NM_175062.4 (MANE Select); coding-DNA position 702, G replaced by T.
Protein change: p.Leu234=; no amino-acid change (leucine 234 retained).
Molecular consequence: synonymous variant.
Genome position (GRCh38, 1-based): chr5:180,127,621, C>A on the plus strand (G>T on the coding strand, the complement: RASGEF1C is on the minus strand). VCF-style: chr5-180127621-C-A. GRCh37 (hg19) VCF-style: chr5-179554621-C-A.
Identifiers: ClinVar variation 4820679 (VCV004820679.4).

ClinVar aggregate classification (germline): Likely benign (1 of 4 stars; one submission).

Submission:

CeGaT Center for Human Genetics Tuebingen
Classification: Likely benign. Last evaluated: 2026-03-01. Review status: criteria provided, single submitter. Criteria: CeGaT Center For Human Genetics Tuebingen Variant Classification Criteria Version 2. Collection method: clinical testing. Allele origin: germline. Affected: yes. Observed: 1 variant allele.
Comment: RASGEF1C: PM2:Supporting, BP4, BP7